The following is an entry in ClinVar:

ClinVar aggregate classification (germline): Pathogenic. Review status: criteria provided, multiple submitters, no conflicts (2 of 4 stars). 2 submissions from 2 submitters: Pathogenic (2). Last evaluated 2025-03-28.

Conditions:
Mucopolysaccharidosis, MPS-II (MPS2). Also called: Hunter Syndrome; IDURONATE 2-SULFATASE DEFICIENCY; Mucopolysaccharidosis Type II; Mucopolysaccharidosis type 2; Attenuated MPS (subtype; formerly known as mild MPS II); Severe MPS II. Identifiers: Orphanet 580, Orphanet 79388, MedGen C0026705, MONDO:0010674, OMIM 309900.

Submissions (2):

Women's Health and Genetics/Laboratory Corporation of America, LabCorp
Classification: Pathogenic for Mucopolysaccharidosis, MPS-II. Last evaluated: 2025-03-28. Review status: criteria provided, single submitter. Criteria: LabCorp Variant Classification Summary - May 2015. Collection method: clinical testing. Allele origin: germline.
Comment: Variant summary: IDS c.1295G>A (p.Cys432Tyr) results in a non-conservative amino acid change in the encoded protein sequence. Five of five in-silico tools predict a damaging effect of the variant on protein function. The variant was absent in 181991 control chromosomes. c.1295G>A has been reported in the literature in multiple individuals affected with Mucopolysaccharidosis Type II (Hunter Syndrome) (e.g., Karsten_1998, Christiakov_2014, Semyachkina_2021, Gragniello_2022, Zhong_2023, Zabihi_2024). These data indicate that the variant is very likely to be associated with disease. To our knowledge, no experimental evidence demonstrating an impact on protein function has been reported. The following publications have been ascertained in the context of this evaluation (PMID: 24780617, 35782619, 9921913, 33676511, 38425718, 36945845). ClinVar contains an entry for this variant (Variation ID: 3256020). Based on the evidence outlined above, the variant was classified as pathogenic.

Laboratory of Diagnosis and Therapy of Lysosomal Disorders, University of Padova
Classification: Pathogenic for Mucopolysaccharidosis, MPS-II. Last evaluated: 2024-06-07. Review status: criteria provided, single submitter. Criteria: ACMG Guidelines, 2015. Collection method: literature only. Allele origin: germline. Affected: yes. Observed: 6 variant alleles.
Comment: Prevalence of the variant significantly increased in affected individuals compared with controls (PS4_Supporting), Located in a mutational hot spot and/or critical functional domain (PM1_Moderate), Absent from controls (or at low frequency) in gnomAD database (PM2_Moderate), Missense variant in a gene with a low rate of benign missense variation (PP2_Supporting), Multiple lines of computational evidence support a deleterious effect (PP3_Supporting), Patient’s phenotype or family history highly specific for the disease (PP4_Strong)

Classification method: ACMG Guidelines [PMID:25741868] with modifications

Literature cited by the submitters: PubMed 36945845 (cited by Women's Health and Genetics/Laboratory Corporation of America, LabCorp and Laboratory of Diagnosis and Therapy of Lysosomal Disorders, University of Padova); PubMed 38425718 (cited by Women's Health and Genetics/Laboratory Corporation of America, LabCorp); PubMed 33676511 (cited by Women's Health and Genetics/Laboratory Corporation of America, LabCorp and Laboratory of Diagnosis and Therapy of Lysosomal Disorders, University of Padova); PubMed 24780617 (cited by Women's Health and Genetics/Laboratory Corporation of America, LabCorp and Laboratory of Diagnosis and Therapy of Lysosomal Disorders, University of Padova); PubMed 35782619 (cited by Women's Health and Genetics/Laboratory Corporation of America, LabCorp and Laboratory of Diagnosis and Therapy of Lysosomal Disorders, University of Padova); PubMed 9921913 (cited by Women's Health and Genetics/Laboratory Corporation of America, LabCorp and Laboratory of Diagnosis and Therapy of Lysosomal Disorders, University of Padova).

NM_000202.8(IDS):c.1295G>A (p.Cys432Tyr)

Gene: IDS (iduronate 2-sulfatase; minus strand). Cytogenetic location: Xq28.
Variant type: single nucleotide variant.
Coding change: c.1295G>A on transcript NM_000202.8 (MANE Select); coding-DNA position 1295, G replaced by A.
Protein change: p.Cys432Tyr; replaces cysteine 432 with tyrosine.
Molecular consequence: missense variant.
Genome position (GRCh38, 1-based): chrX:149,483,104, C>T on the plus strand (G>A on the coding strand, the complement: IDS is on the minus strand). VCF-style: chrX-149483104-C-T. GRCh37 (hg19) VCF-style: chrX-148564635-C-T.
Other names: c.1025G>A, p.Cys342Tyr (NM_001166550.4); short protein forms C342Y, C432Y.
Identifiers: ClinVar variation 3256020 (VCV003256020.3).